The following is an entry in ClinVar:

NM_144596.4(TTC8):c.*493T>C

Gene: TTC8 (tetratricopeptide repeat domain 8; plus strand). Cytogenetic location: 14q31.3.
Variant type: single nucleotide variant.
Coding change: c.*493T>C on transcript NM_144596.4 (MANE Select); 493 bases downstream of the stop codon, T replaced by C.
Molecular consequence: 3 prime UTR variant. On other transcripts: non-coding transcript variant (1).
Genome position (GRCh38, 1-based): chr14:88,877,903, T>C. VCF-style: chr14-88877903-T-C. GRCh37 (hg19) VCF-style: chr14-89344247-T-C.
Other names: c.*493T>C (NM_001288781.1, NM_001288782.1, NM_001288783.1 and 4 more transcripts).
Identifiers: ClinVar variation 886935 (VCV000886935.4), dbSNP rs60082659, ClinGen allele CA264576183.

ClinVar aggregate classification (germline): Benign/Likely benign. Review status: criteria provided, single submitter (1 of 4 stars). 2 submissions from 1 submitter: Benign (1); Likely benign (1). Last evaluated 2018-01-13.

Conditions:
Retinitis pigmentosa (RP). Identifiers: Orphanet 791, MedGen C0035334, MeSH D012174, MONDO:0019200, OMIM 268000. Inheritance: Autosomal dominant, autosomal recessive and X linked inheritance.
Bardet-Biedl syndrome 8 (BBS8). Identifiers: Orphanet 110, MedGen C1859566, MONDO:0014436, OMIM 615985.

Allele frequency attached by ClinVar (database versions not stated): gnomAD 0.00938 and 0.01012; 1000 Genomes Project 0.00978; TOPMed 0.00989; 1000 Genomes Project 30x 0.01187.

Submissions (2):

Illumina Laboratory Services, Illumina
Classification: Benign for Bardet-Biedl syndrome 8. Last evaluated: 2018-01-13. Review status: criteria provided, single submitter. Criteria: ICSL Variant Classification Criteria 13 December 2019. Collection method: clinical testing. Allele origin: germline.
Comment: This variant was observed in the ICSL laboratory as part of a predisposition screen in an ostensibly healthy population. It had not been previously curated by ICSL or reported in the Human Gene Mutation Database (HGMD: prior to June 1st, 2018), and was therefore a candidate for classification through an automated scoring system. Utilizing variant allele frequency, disease prevalence and penetrance estimates, and inheritance mode, an automated score was calculated to assess if this variant is too frequent to cause the disease. Based on the score and internal cut-off values, a variant classified as benign is not then subjected to further curation. The score for this variant resulted in a classification of benign for this disease.

Illumina Laboratory Services, Illumina
Classification: Likely benign for Retinitis pigmentosa. Last evaluated: 2018-01-13. Review status: criteria provided, single submitter. Criteria: ICSL Variant Classification Criteria 13 December 2019. Collection method: clinical testing. Allele origin: germline.
Comment: This variant was observed in the ICSL laboratory as part of a predisposition screen in an ostensibly healthy population. It had not been previously curated by ICSL or reported in the Human Gene Mutation Database (HGMD: prior to June 1st, 2018), and was therefore a candidate for classification through an automated scoring system. Utilizing variant allele frequency, disease prevalence and penetrance estimates, and inheritance mode, an automated score was calculated to assess if this variant is too frequent to cause the disease. Based on the score and internal cut-off values, a variant classified as likely benign is not then subjected to further curation. The score for this variant resulted in a classification of likely benign for this disease.